The following is an entry in ClinVar:

ClinVar aggregate classification (germline): Likely benign. Review status: criteria provided, multiple submitters, no conflicts (2 of 4 stars). 2 submissions from 2 submitters: Likely benign (2). Last evaluated 2025-02-11.

Conditions:
Early-infantile DEE. Also called: Early infantile epileptic encephalopathy with suppression bursts; Ohtahara syndrome; Early infantile epileptic encephalopathy. Identifiers: Orphanet 1934, MedGen C0393706, MONDO:0800491.

Allele frequency attached by ClinVar (database versions not stated): TOPMed 0.00002.

Submissions (2):

Mayo Clinic Laboratories, Mayo Clinic
Classification: Likely benign. Last evaluated: 2025-02-11. Review status: criteria provided, single submitter. Criteria: ACMG Guidelines, 2015. Collection method: clinical testing. Allele origin: germline. Observed: 1 variant allele.
Comment: BP4, BP7

Labcorp Genetics (formerly Invitae), Labcorp
Classification: Likely benign for Early-infantile DEE. Last evaluated: 2024-02-17. Review status: criteria provided, single submitter. Criteria: Invitae Variant Classification Sherloc (09022015). Collection method: clinical testing. Allele origin: germline.

NM_001191061.2(SLC25A22):c.20+7C>A

Gene: SLC25A22 (solute carrier family 25 member 22; minus strand). Cytogenetic location: 11p15.5.
Variant type: single nucleotide variant.
Coding change: c.20+7C>A on transcript NM_001191061.2 (MANE Select); 7 bases into the intron after coding-DNA position 20, C replaced by A.
Molecular consequence: intron variant.
Genome position (GRCh38, 1-based): chr11:794,980, G>T on the plus strand (C>A on the coding strand, the complement: SLC25A22 is on the minus strand). VCF-style: chr11-794980-G-T. GRCh37 (hg19) VCF-style: chr11-794980-G-T.
Other names: p.?; c.20+7C>A (NM_001191060.2, NM_024698.6).
Identifiers: ClinVar variation 727840 (VCV000727840.12), dbSNP rs376421164, ClinGen allele CA216947875.
Genomic context (GRCh38, chr11:794,980, plus strand): 5'-CAGGACCGGCTTCCTTGACCATGGGTCAGGGTGGGGGTGAGGCACGCAGCCAGGACTGGA[G>T]TCTGACCTGATCTGCTTATCAGCCATTTAACTCGATTGCACCCAGGTAGGAGCCGCAGAG-3'